The following is an entry in ClinVar:

ClinVar aggregate classification (germline): Pathogenic (1 of 4 stars; one submission).

Conditions:
Vici syndrome (VICIS). Identifiers: Orphanet 1493, MedGen C1855772, MONDO:0009452, OMIM 242840.

gnomAD v4.1: 1 of 1,614,178 alleles (0.000062%); highest among the groups gnomAD compares: African/African-American, 0.0013%; no homozygotes.

Submission:

Labcorp Genetics (formerly Invitae), Labcorp
Classification: Pathogenic for Vici syndrome. Last evaluated: 2025-01-01. Review status: criteria provided, single submitter. Criteria: Invitae Variant Classification Sherloc (09022015). Collection method: clinical testing. Allele origin: germline.
Comment: This sequence change creates a premature translational stop signal (p.Gln377*) in the EPG5 gene. It is expected to result in an absent or disrupted protein product. Loss-of-function variants in EPG5 are known to be pathogenic (PMID: 23222957, 23674064). This variant is not present in population databases (gnomAD no frequency). This variant has not been reported in the literature in individuals affected with EPG5-related conditions. For these reasons, this variant has been classified as Pathogenic.

Literature cited by the submitters: PubMed 23222957; PubMed 23674064.

NM_020964.3(EPG5):c.1129C>T (p.Gln377Ter)

Gene: EPG5 (ectopic P-granules 5 autophagy tethering factor; minus strand). Cytogenetic location: 18q21.1.
Variant type: single nucleotide variant.
Coding change: c.1129C>T on transcript NM_020964.3 (MANE Select); coding-DNA position 1129, C replaced by T.
Protein change: p.Gln377Ter; replaces glutamine 377 with a stop codon.
Molecular consequence: nonsense.
Genome position (GRCh38, 1-based): chr18:45,952,523, G>A on the plus strand (C>T on the coding strand, the complement: EPG5 is on the minus strand). VCF-style: chr18-45952523-G-A. GRCh37 (hg19) VCF-style: chr18-43532489-G-A.
Other names: c.1129C>T, p.Gln377Ter (NM_001410858.1, NM_001410859.1); short protein forms Q377*.
Identifiers: ClinVar variation 3690497 (VCV003690497.2).